The following is an entry in ClinVar:

NM_001330078.2(NRXN1):c.746G>A (p.Gly249Asp)

Gene: NRXN1 (neurexin 1; minus strand). Cytogenetic location: 2p16.3.
Variant type: single nucleotide variant.
Coding change: c.746G>A on transcript NM_001330078.2 (MANE Select); coding-DNA position 746, G replaced by A.
Protein change: p.Gly249Asp; replaces glycine 249 with aspartic acid.
Molecular consequence: missense variant.
Genome position (GRCh38, 1-based): chr2:51,027,528, C>T on the plus strand (G>A on the coding strand, the complement: NRXN1 is on the minus strand). VCF-style: chr2-51027528-C-T. GRCh37 (hg19) VCF-style: chr2-51254666-C-T.
Other names: c.746G>A, p.Gly249Asp (NM_001135659.3, NM_001330077.2, NM_001330079.2 and 15 more transcripts); short protein forms G249D.
Identifiers: ClinVar variation 952621 (VCV000952621.10), dbSNP rs367655054, ClinGen allele CA1655420.

ClinVar aggregate classification (germline): Uncertain significance. Review status: criteria provided, multiple submitters, no conflicts (2 of 4 stars). 2 submissions from 2 submitters: Uncertain significance (2). Last evaluated 2026-04-30.

Conditions:
Inborn genetic diseases. Identifiers: MedGen C0950123, MeSH D030342.
Pitt-Hopkins-like syndrome 2 (PTHSL2). Identifiers: Orphanet 221150, Orphanet 600663, MedGen C3280479, MONDO:0013690, OMIM 614325.

Allele frequency attached by ClinVar (database versions not stated): gnomAD exomes below 0.00001 and 0.00002; gnomAD 0.00003 and 0.00004; TOPMed 0.00003; ExAC 0.00004; ESP Exome Variant Server 0.00008.
gnomAD v4.1: 8 of 1,553,066 alleles (0.00052%); highest among the groups gnomAD compares: African/African-American, 0.0082%; no homozygotes.

Submissions (2):

Ambry Genetics
Classification: Uncertain significance for Inborn genetic diseases. Last evaluated: 2026-04-30. Review status: criteria provided, single submitter. Criteria: Ambry Variant Classification Scheme 2023. Collection method: clinical testing. Allele origin: germline.
Comment: The c.746G>A (p.G249D) alteration is located in exon 2 (coding exon 1) of the NRXN1 gene. This alteration results from a G to A substitution at nucleotide position 746, causing the glycine (G) at amino acid position 249 to be replaced by an aspartic acid (D). Based on data from gnomAD, the A allele has an overall frequency of 0.003% (7/232476) total alleles studied. The highest observed frequency was 0.027% (6/22370) of African alleles. Based on insufficient or conflicting evidence, the clinical significance of this alteration remains unclear.

Labcorp Genetics (formerly Invitae), Labcorp
Classification: Uncertain significance for Pitt-Hopkins-like syndrome 2. Last evaluated: 2023-10-03. Review status: criteria provided, single submitter. Criteria: Invitae Variant Classification Sherloc (09022015). Collection method: clinical testing. Allele origin: germline.
Comment: This sequence change replaces glycine, which is neutral and non-polar, with aspartic acid, which is acidic and polar, at codon 249 of the NRXN1 protein (p.Gly249Asp). This variant is present in population databases (rs367655054, gnomAD 0.03%). This variant has not been reported in the literature in individuals affected with NRXN1-related conditions. ClinVar contains an entry for this variant (Variation ID: 952621). An algorithm developed to predict the effect of missense changes on protein structure and function (PolyPhen-2) suggests that this variant is likely to be disruptive. In summary, the available evidence is currently insufficient to determine the role of this variant in disease. Therefore, it has been classified as a Variant of Uncertain Significance.